The following is an entry in ClinVar:

NM_000059.4(BRCA2):c.8108C>T (p.Thr2703Ile)

Gene: BRCA2 (BRCA2 DNA repair associated; plus strand). Cytogenetic location: 13q13.1.
Variant type: single nucleotide variant.
Coding change: c.8108C>T on transcript NM_000059.4 (MANE Select); coding-DNA position 8108, C replaced by T.
Protein change: p.Thr2703Ile; replaces threonine 2703 with isoleucine.
Molecular consequence: missense variant. On other transcripts: non-coding transcript variant (1).
Genome position (GRCh38, 1-based): chr13:32,363,310, C>T. VCF-style: chr13-32363310-C-T. GRCh37 (hg19) VCF-style: chr13-32937447-C-T.
Other names: c.8012C>T, p.Thr2671Ile (NM_001406719.1); c.8108C>T, p.Thr2703Ile (NM_001406720.1, NM_001432077.1); c.3176C>T, p.Thr1059Ile (NM_001406721.1); c.1691C>T, p.Thr564Ile (NM_001406722.1); short protein forms T1059I, T2671I, T2703I, T564I.
Identifiers: ClinVar variation 3636531 (VCV003636531.2).

ClinVar aggregate classification (germline): Uncertain significance (1 of 4 stars; one submission).

Conditions:
Hereditary breast ovarian cancer syndrome. Also called: Hereditary breast and ovarian cancer syndrome; Hereditary breast and ovarian cancer syndrome (HBOC); BRCA1- and BRCA2-Associated Hereditary Breast and Ovarian Cancer; Hereditary breast and ovarian cancer; Breast and ovarian cancer; Hereditary breast and/or ovarian cancer syndrome. Identifiers: Orphanet 145, MedGen C0677776, MeSH D061325, MONDO:0003582. Disease mechanism: loss of function.

Submission:

Labcorp Genetics (formerly Invitae), Labcorp
Classification: Uncertain significance for Hereditary breast ovarian cancer syndrome. Last evaluated: 2024-03-21. Review status: criteria provided, single submitter. Criteria: Invitae Variant Classification Sherloc (09022015). Collection method: clinical testing. Allele origin: germline.
Comment: This sequence change replaces threonine, which is neutral and polar, with isoleucine, which is neutral and non-polar, at codon 2703 of the BRCA2 protein (p.Thr2703Ile). This variant is not present in population databases (gnomAD no frequency). This variant has not been reported in the literature in individuals affected with BRCA2-related conditions. Advanced modeling of protein sequence and biophysical properties (such as structural, functional, and spatial information, amino acid conservation, physicochemical variation, residue mobility, and thermodynamic stability) performed at Invitae indicates that this missense variant is not expected to disrupt BRCA2 protein function with a negative predictive value of 95%. In summary, the available evidence is currently insufficient to determine the role of this variant in disease. Therefore, it has been classified as a Variant of Uncertain Significance.